The following is an entry in ClinVar:

ClinVar aggregate classification (germline): Uncertain significance (1 of 4 stars; one submission).

gnomAD v4.1: 37 of 1,614,092 alleles (0.0023%); highest among the groups gnomAD compares: East Asian, 0.04%; no homozygotes.

Submission:

Labcorp Genetics (formerly Invitae), Labcorp
Classification: Uncertain significance. Last evaluated: 2025-05-04. Review status: criteria provided, single submitter. Criteria: Invitae Variant Classification Sherloc (09022015). Collection method: clinical testing. Allele origin: germline.
Comment: This sequence change replaces arginine, which is basic and polar, with glutamine, which is neutral and polar, at codon 409 of the CLIC5 protein (p.Arg409Gln). This variant is present in population databases (rs193274454, gnomAD 0.08%), and has an allele count higher than expected for a pathogenic variant. This variant has not been reported in the literature in individuals affected with CLIC5-related conditions. An algorithm developed to predict the effect of missense changes on protein structure and function outputs the following: PolyPhen-2: "Benign". The glutamine amino acid residue is found in multiple mammalian species, which suggests that this missense change does not adversely affect protein function. In summary, the available evidence is currently insufficient to determine the role of this variant in disease. Therefore, it has been classified as a Variant of Uncertain Significance.

NM_016929.5(CLIC5):c.749G>A (p.Arg250Gln)

Gene: CLIC5 (chloride intracellular channel 5; minus strand). Cytogenetic location: 6p21.1.
Variant type: single nucleotide variant.
Coding change: c.749G>A on transcript NM_016929.5 (MANE Select); coding-DNA position 749, G replaced by A.
Protein change: p.Arg250Gln; replaces arginine 250 with glutamine.
Molecular consequence: missense variant. On other transcripts: non-coding transcript variant (2).
Genome position (GRCh38, 1-based): chr6:45,903,095, C>T on the plus strand (G>A on the coding strand, the complement: CLIC5 is on the minus strand). VCF-style: chr6-45903095-C-T. GRCh37 (hg19) VCF-style: chr6-45870832-C-T.
Other names: c.1226G>A, p.Arg409Gln (NM_001114086.2, NM_001370650.1); c.632G>A, p.Arg211Gln (NM_001370649.1); short protein forms R211Q, R409Q, R250Q.
Identifiers: ClinVar variation 4692888 (VCV004692888.1).